The following is an entry in ClinVar:

ClinVar aggregate classification (germline): Pathogenic/Likely pathogenic. Review status: criteria provided, multiple submitters, no conflicts (2 of 4 stars). 5 submissions from 5 submitters: Pathogenic (2); Likely pathogenic (3). Last evaluated 2026-05-21.

Conditions:
SPG11-related disorder. Also called: SPG11-related condition.
Hereditary spastic paraplegia 11. Also called: Nakamura Osame syndrome; Autosomal recessive hereditary spastic paraplegia, mental impairment, and thin corpus callosum; Spastic paraplegia, mental retardation and thin corpus callosum; Spastic Paraplegia 11; SPASTIC PARAPLEGIA, AUTOSOMAL RECESSIVE, COMPLICATED, WITH THIN CORPUS CALLOSUM; SPASTIC PARAPLEGIA, AUTOSOMAL RECESSIVE, WITH MENTAL IMPAIRMENT AND THIN CORPUS CALLOSUM. Identifiers: Orphanet 2822, MedGen C1858479, MONDO:0011445, OMIM 604360.
Hereditary spastic paraplegia. Also called: Familial spastic paraparesis. Identifiers: Orphanet 685, MedGen C0037773, MONDO:0019064. Disease mechanism: loss of function.

Submissions (5):

PreventionGenetics, part of Exact Sciences
Classification: Likely pathogenic for SPG11-related condition. Last evaluated: 2026-05-21. Review status: criteria provided, single submitter. Criteria: ACMG Guidelines, 2015. Collection method: clinical testing. Allele origin: germline.
Comment: The SPG11 c.1478_1482del5 variant is predicted to result in a frameshift and premature protein termination (p.Leu493Trpfs*63). This variant has been reported in an individual with spastic paraplegia (Haj Salem et al. 2021. PubMed ID: 33397523). This variant is reported in 0.0018% of alleles in individuals of European (Non-Finnish) descent in gnomAD. Frameshift variants in SPG11 are expected to be pathogenic. This variant is interpreted as likely pathogenic.

Labcorp Genetics (formerly Invitae), Labcorp
Classification: Pathogenic for Hereditary spastic paraplegia 11. Last evaluated: 2026-02-01. Review status: criteria provided, single submitter. Criteria: Invitae Variant Classification Sherloc (09022015). Collection method: clinical testing. Allele origin: germline.
Comment: This sequence change creates a premature translational stop signal (p.Leu493Trpfs*63) in the SPG11 gene. It is expected to result in an absent or disrupted protein product. Loss-of-function variants in SPG11 are known to be pathogenic (PMID: 19105190, 20110243, 22154821, 26556829). This variant is present in population databases (rs758015273, gnomAD 0.002%). This premature translational stop signal has been observed in individual(s) with SPG11-related conditions (internal data). ClinVar contains an entry for this variant (Variation ID: 657795). For these reasons, this variant has been classified as Pathogenic.

Women's Health and Genetics/Laboratory Corporation of America, LabCorp
Classification: Pathogenic for Hereditary spastic paraplegia. Last evaluated: 2023-09-26. Review status: criteria provided, single submitter. Criteria: LabCorp Variant Classification Summary - May 2015. Collection method: clinical testing. Allele origin: germline.
Comment: Variant summary: SPG11 c.1478_1482delTGTTT (p.Leu493TrpfsX63) results in a premature termination codon, predicted to cause a truncation of the encoded protein or absence of the protein due to nonsense mediated decay, which are commonly known mechanisms for disease. The variant allele was found at a frequency of 8e-06 in 251204 control chromosomes (gnomAD). To our knowledge, no occurrence of c.1478_1482delTGTTT in individuals affected with Hereditary Spastic Paraplegia, Type 11 and no experimental evidence demonstrating its impact on protein function have been reported. Two ClinVar submitters have assessed the variant since 2014: one classified the variant as likely pathogenic, and one as pathogenic. Based on the evidence outlined above, the variant was classified as pathogenic.

Genome Diagnostics Laboratory, The Hospital for Sick Children
Classification: Likely pathogenic for Hereditary spastic paraplegia. Last evaluated: 2017-12-01. Review status: criteria provided, single submitter. Criteria: ACMG Guidelines, 2015. Collection method: clinical testing. Allele origin: germline. Affected: yes.

Genome-Nilou Lab
Classification: Likely pathogenic for Hereditary spastic paraplegia 11. Review status: criteria provided, single submitter. Criteria: ACMG Guidelines, 2015. Collection method: clinical testing. Allele origin: germline.

Literature cited by the submitters: PubMed 19105190 (cited by Labcorp Genetics (formerly Invitae), Labcorp); PubMed 20110243 (cited by Labcorp Genetics (formerly Invitae), Labcorp); PubMed 22154821 (cited by Labcorp Genetics (formerly Invitae), Labcorp); PubMed 26556829 (cited by Labcorp Genetics (formerly Invitae), Labcorp).

NM_025137.4(SPG11):c.1478_1482del (p.Leu493fs)

Gene: SPG11 (SPG11 vesicle trafficking associated, spatacsin; minus strand). Cytogenetic location: 15q21.1.
Variant type: Deletion.
Coding change: c.1478_1482del on transcript NM_025137.4 (MANE Select); coding-DNA positions 1478 to 1482, 5 bases deleted (TGTTT; older notation c.1478_1482delTGTTT).
Protein change: p.Leu493fs; shifts the reading frame from leucine 493.
Molecular consequence: frameshift variant.
Genome position (GRCh38, 1-based): chr15:44,648,986-44,648,990, AAACA deleted on the plus strand (TGTTT on the coding strand, the reverse complement: SPG11 is on the minus strand); deleting any 5 consecutive bases within chr15:44,648,986-44,648,993 gives the same sequence; the c. name uses the placement nearest the transcript's 3' end. VCF-style (leftmost placement, unchanged base first): chr15-44648985-CAAACA-C. GRCh37 (hg19) VCF-style: chr15-44941183-CAAACA-C.
Other names: c.1478_1482del (NM_025137.3); c.1478_1482del5 (NM_025137.3); c.1478_1482del, p.Leu493fs (NM_001160227.2); short protein forms L493fs.
Identifiers: ClinVar variation 657795 (VCV000657795.16), dbSNP rs758015273, ClinGen allele CA7535532.